The following is an entry in ClinVar:

NM_001042492.3(NF1):c.6272A>T (p.Asn2091Ile)

Gene: NF1 (neurofibromin 1; plus strand). Cytogenetic location: 17q11.2.
Variant type: single nucleotide variant.
Coding change: c.6272A>T on transcript NM_001042492.3 (MANE Select); coding-DNA position 6272, A replaced by T.
Protein change: p.Asn2091Ile; replaces asparagine 2091 with isoleucine.
Molecular consequence: missense variant.
Genome position (GRCh38, 1-based): chr17:31,336,759, A>T. VCF-style: chr17-31336759-A-T. GRCh37 (hg19) VCF-style: chr17-29663777-A-T.
Other names: c.6209A>T, p.Asn2070Ile (NM_000267.4); short protein forms N2070I, N2091I.
Identifiers: ClinVar variation 3634585 (VCV003634585.2).

ClinVar aggregate classification (germline): Uncertain significance (1 of 4 stars; one submission).

Conditions:
Neurofibromatosis, type 1 (NF1). Also called: VON RECKLINGHAUSEN DISEASE; Peripheral type neurofibromatosis; NEUROFIBROMATOSIS, TYPE I, SOMATIC; Neurofibromatosis, type I. Identifiers: Orphanet 636, MedGen C0027831, MONDO:0018975, OMIM 162200. Disease mechanism: loss of function.

Submission:

Labcorp Genetics (formerly Invitae), Labcorp
Classification: Uncertain significance for Neurofibromatosis, type 1. Last evaluated: 2024-10-13. Review status: criteria provided, single submitter. Criteria: Invitae Variant Classification Sherloc (09022015). Collection method: clinical testing. Allele origin: germline.
Comment: This sequence change replaces asparagine, which is neutral and polar, with isoleucine, which is neutral and non-polar, at codon 2070 of the NF1 protein (p.Asn2070Ile). This variant is not present in population databases (gnomAD no frequency). This variant has not been reported in the literature in individuals affected with NF1-related conditions. Invitae Evidence Modeling of protein sequence and biophysical properties (such as structural, functional, and spatial information, amino acid conservation, physicochemical variation, residue mobility, and thermodynamic stability) indicates that this missense variant is expected to disrupt NF1 protein function with a positive predictive value of 95%. In summary, the available evidence is currently insufficient to determine the role of this variant in disease. Therefore, it has been classified as a Variant of Uncertain Significance.